The following is an entry in ClinVar:

ClinVar aggregate classification (germline): Uncertain significance (1 of 4 stars; one submission).

Submission:

Labcorp Genetics (formerly Invitae), Labcorp
Classification: Uncertain significance. Last evaluated: 2021-07-08. Review status: criteria provided, single submitter. Criteria: Invitae Variant Classification Sherloc (09022015). Collection method: clinical testing. Allele origin: germline.
Comment: This sequence change results in a premature translational stop signal in the EMC1 gene (p.Ser917Phefs*38). While this is not anticipated to result in nonsense mediated decay, it is expected to disrupt the last 77 amino acids of the EMC1 protein. This variant is not present in population databases (ExAC no frequency). This variant has not been reported in the literature in individuals with EMC1-related conditions. The current clinical and genetic evidence is not sufficient to establish whether loss-of-function variants in EMC1 cause disease. In summary, the available evidence is currently insufficient to determine the role of this variant in disease. Therefore, it has been classified as a Variant of Uncertain Significance.

NM_015047.3(EMC1):c.2749dup (p.Ser917fs)

Genes: EMC1 (ER membrane protein complex subunit 1; minus strand), EMC1-AS1 (EMC1 antisense RNA 1; plus strand). Cytogenetic location: 1p36.13.
Variant type: Duplication.
Coding change: c.2749dup on transcript NM_015047.3 (MANE Select); coding-DNA position 2749, one base duplicated (T; older notation c.2749dupT).
Protein change: p.Ser917fs; shifts the reading frame from serine 917.
Molecular consequence: frameshift variant.
Genome position (GRCh38, 1-based): chr1:19,219,622, A duplicated on the plus strand (T on the coding strand, the reverse complement: EMC1 is on the minus strand); the first of 3 consecutive A bases (chr1:19,219,622-19,219,624); duplicating any one gives the same sequence. VCF-style (leftmost placement, unchanged base first): chr1-19219621-G-GA. GRCh37 (hg19) VCF-style: chr1-19546115-G-GA.
Other names: c.2746dup, p.Ser916fs (NM_001271427.2, NM_001271428.2); c.2683dup, p.Ser895fs (NM_001271429.2); c.2758dup, p.Ser920fs (NM_001375820.1); c.2755dup, p.Ser919fs (NM_001375821.1); short protein forms S916fs, S919fs, S895fs, S920fs, S917fs.
Identifiers: ClinVar variation 961493 (VCV000961493.7), dbSNP rs2093416084, ClinGen allele CA1139655993.